The following is an entry in ClinVar:

ClinVar aggregate classification (germline): Likely pathogenic (1 of 4 stars; one submission).

Conditions:
Congenital hyperammonemia, type I. Also called: Carbamoyl phosphate synthetase I deficiency disease; Carbamoyl phosphate synthetase 1 deficiency; Hyperammonemia due to carbamoyl phosphate synthetase 1 deficiency; CPS 1 deficiency; Carbamyl phosphate synthetase (CPS) deficiency; Carbamoyl-phosphate synthase I deficiency. Identifiers: Orphanet 147, MedGen C4082171, MONDO:0009376, OMIM 237300.

Submission:

Myriad Genetics, Inc.
Classification: Likely pathogenic for Congenital hyperammonemia, type I. Last evaluated: 2019-12-28. Review status: criteria provided, single submitter. Criteria: Myriad Women's Health Autosomal Recessive and X-Linked Classification Criteria (2019). Collection method: clinical testing. Allele origin: unknown.
Comment: NM_001875.4(CPS1):c.2072T>A(L691*) is expected to be pathogenic in the context of carbamoylphosphate synthetase I deficiency. This variant is predicted to lead to an abnormal or absent protein product due to the creation of a premature termination codon in CPS1, a gene where loss-of-function variants are known to be pathogenic. Please note: this variant was assessed in the context of healthy population screening.

NM_001875.5(CPS1):c.2072T>A (p.Leu691Ter)

Gene: CPS1 (carbamoyl-phosphate synthase 1; plus strand). Cytogenetic location: 2q34.
Variant type: single nucleotide variant.
Coding change: c.2072T>A on transcript NM_001875.5 (MANE Select); coding-DNA position 2072, T replaced by A.
Protein change: p.Leu691Ter; replaces leucine 691 with a stop codon.
Molecular consequence: nonsense. On other transcripts: non-coding transcript variant (2).
Genome position (GRCh38, 1-based): chr2:210,606,821, T>A. VCF-style: chr2-210606821-T-A. GRCh37 (hg19) VCF-style: chr2-211471545-T-A.
Other names: c.2072T>A, p.Leu691Ter (NM_001122633.3, NM_001369257.1); c.2105T>A, p.Leu702Ter (NM_001369256.1); short protein forms L691*, L702*.
Identifiers: ClinVar variation 984187 (VCV000984187.3), dbSNP rs1698930454, ClinGen allele CA350438969.
Genomic context (GRCh38, chr2:210,606,821, plus strand): 5'-CACTCTCCAATGCCGAGTTTCAGATGTTGAGACGTACTTCAATCAATGTTGTTCGCCACT[T>A]GGGCATTGTGGGTGAATGCAACATTCAGTTTGCCCTTCATCCTACCTCAATGGAATACTG-3'